The following is an entry in ClinVar:

NM_001365951.3(KIF1B):c.3604C>G (p.Leu1202Val)

Gene: KIF1B (kinesin family member 1B; plus strand). Cytogenetic location: 1p36.22.
Variant type: single nucleotide variant.
Coding change: c.3604C>G on transcript NM_001365951.3 (MANE Select); coding-DNA position 3604, C replaced by G.
Protein change: p.Leu1202Val; replaces leucine 1202 with valine.
Molecular consequence: missense variant.
Genome position (GRCh38, 1-based): chr1:10,342,140, C>G. VCF-style: chr1-10342140-C-G. GRCh37 (hg19) VCF-style: chr1-10402198-C-G.
Other names: c.3604C>G, p.Leu1202Val (NM_001365952.1); c.3466C>G, p.Leu1156Val (NM_015074.3); short protein forms L1156V, L1202V.
Identifiers: ClinVar variation 4092384 (VCV004092384.1).
Genomic context (GRCh38, chr1:10,342,140, plus strand): 5'-GATTACATCAAAACCAAGCCTATTGTATTTGAAGTCTTTGGGCATTATCAGCAGCACCCA[C>G]TTCATCTGCAAGGACAGGAGCTTAACAGGTTTGGACCAGATAAGCAAACATTTTTGATGG-3'
Protein context (NP_001352880.1, residues 1192-1212): EVFGHYQQHP[Leu1202Val]HLQGQELNSP

ClinVar aggregate classification (germline): Uncertain significance (1 of 4 stars; one submission).

Submission:

Ambry Genetics
Classification: Uncertain significance. Last evaluated: 2025-08-22. Review status: criteria provided, single submitter. Criteria: Ambry Variant Classification Scheme 2023. Collection method: clinical testing. Allele origin: germline.
Comment: The p.L1156V variant (also known as c.3466C>G), located in coding exon 30 of the KIF1B gene, results from a C to G substitution at nucleotide position 3466. The leucine at codon 1156 is replaced by valine, an amino acid with highly similar properties. This amino acid position is conserved. In addition, the in silico prediction for this alteration is inconclusive. Based on the available evidence, the clinical significance of this variant remains unclear.